The following is an entry in ClinVar:

ClinVar aggregate classification (germline): Benign. Review status: criteria provided, multiple submitters, no conflicts (2 of 4 stars). 9 submissions from 9 submitters: Benign (9). Last evaluated 2026-01-24.

Conditions:
Primary ciliary dyskinesia. Also called: Ciliary dyskinesia. Identifiers: Orphanet 244, MedGen C0008780, MONDO:0016575, HP:0012265.
Primary ciliary dyskinesia 15. Also called: CILIARY DYSKINESIA, PRIMARY, 15, WITH OR WITHOUT SITUS INVERSUS. Identifiers: Orphanet 244, MedGen C3151137, MONDO:0013435, OMIM 613808.

Allele frequency attached by ClinVar (database versions not stated): gnomAD 0.02597 and 0.02786; ESP Exome Variant Server 0.02789; 1000 Genomes Project 0.02796; 1000 Genomes Project 30x 0.02873; TOPMed 0.02891; gnomAD exomes 0.00735; ExAC 0.00884.
gnomAD v4.1: 8,355 of 1,613,952 alleles (0.52%); highest among the groups gnomAD compares: African/African-American, 8.8%; 309 homozygotes.

Submissions (9):

Labcorp Genetics (formerly Invitae), Labcorp
Classification: Benign for Primary ciliary dyskinesia. Last evaluated: 2026-01-24. Review status: criteria provided, single submitter. Criteria: Invitae Variant Classification Sherloc (09022015). Collection method: clinical testing. Allele origin: germline.

ARUP Laboratories, Molecular Genetics and Genomics, ARUP Laboratories
Classification: Benign for Primary ciliary dyskinesia 15. Last evaluated: 2024-10-18. Review status: criteria provided, single submitter. Criteria: ARUP Molecular Germline Variant Investigation Process 2024. Collection method: clinical testing. Allele origin: germline.

Mayo Clinic Laboratories, Mayo Clinic
Classification: Benign. Last evaluated: 2024-04-29. Review status: criteria provided, single submitter. Criteria: ACMG Guidelines, 2015. Collection method: clinical testing. Allele origin: germline. Observed: 4 variant alleles.

GeneDx
Classification: Benign. Last evaluated: 2018-07-05. Review status: criteria provided, single submitter. Criteria: GeneDx Variant Classification Process June 2021. Collection method: clinical testing. Allele origin: germline. Affected: yes.

Illumina Laboratory Services, Illumina
Classification: Benign for Primary ciliary dyskinesia 15. Last evaluated: 2018-01-12. Review status: criteria provided, single submitter. Criteria: ICSL Variant Classification Criteria 13 December 2019. Collection method: clinical testing. Allele origin: germline.
Comment: This variant was observed in the ICSL laboratory as part of a predisposition screen in an ostensibly healthy population. It had not been previously curated by ICSL or reported in the Human Gene Mutation Database (HGMD: prior to June 1st, 2018), and was therefore a candidate for classification through an automated scoring system. Utilizing variant allele frequency, disease prevalence and penetrance estimates, and inheritance mode, an automated score was calculated to assess if this variant is too frequent to cause the disease. Based on the score and internal cut-off values, a variant classified as benign is not then subjected to further curation. The score for this variant resulted in a classification of benign for this disease.

Ambry Genetics
Classification: Benign for Primary ciliary dyskinesia. Last evaluated: 2016-10-25. Review status: criteria provided, single submitter. Criteria: Ambry Variant Classification Scheme 2023. Collection method: clinical testing. Allele origin: germline.

Laboratory for Molecular Medicine, Mass General Brigham Personalized Medicine
Classification: Benign. Last evaluated: 2013-02-21. Review status: criteria provided, single submitter. Criteria: LMM Criteria. Collection method: clinical testing. Allele origin: germline. Observed: 1 variant allele.
Comment: Pro168Pro in exon 3 of CCDC40: This variant is not expected to have clinical sig nificance because it does not alter an amino acid residue and is not located wit hin the splice consensus sequence. It has been identified in 8.5% (336/3946) of African American chromosomes from a broad population by the NHLBI Exome Sequenci ng Project (dbSNP rs74000351).

Breakthrough Genomics
Classification: Benign. Review status: criteria provided, single submitter. Criteria: ACMG Guidelines, 2015. Collection method: not provided. Allele origin: germline. Inheritance: Autosomal recessive inheritance. Affected: yes.

PreventionGenetics, part of Exact Sciences
Classification: Benign. Review status: criteria provided, single submitter. Criteria: ACMG Guidelines, 2015. Collection method: clinical testing. Allele origin: germline.

NM_017950.4(CCDC40):c.504G>A (p.Pro168=)

Gene: CCDC40 (coiled-coil domain 40 molecular ruler complex subunit; plus strand). Cytogenetic location: 17q25.3.
Variant type: single nucleotide variant.
Coding change: c.504G>A on transcript NM_017950.4 (MANE Select); coding-DNA position 504, G replaced by A.
Protein change: p.Pro168=; no amino-acid change (proline 168 retained).
Molecular consequence: synonymous variant.
Genome position (GRCh38, 1-based): chr17:80,040,222, G>A. VCF-style: chr17-80040222-G-A. GRCh37 (hg19) VCF-style: chr17-78014021-G-A.
Other names: p.Pro168=; c.504G>A, p.Pro168= (NM_001243342.2, NM_001330508.2).
Identifiers: ClinVar variation 226494 (VCV000226494.26), dbSNP rs74000351, ClinGen allele CA8813455.